The following is an entry in ClinVar:

NM_144670.6(A2ML1):c.1319T>C (p.Leu440Pro)

Gene: A2ML1 (alpha-2-macroglobulin like 1; plus strand). Cytogenetic location: 12p13.31.
Variant type: single nucleotide variant.
Coding change: c.1319T>C on transcript NM_144670.6 (MANE Select); coding-DNA position 1319, T replaced by C.
Protein change: p.Leu440Pro; replaces leucine 440 with proline.
Molecular consequence: missense variant.
Genome position (GRCh38, 1-based): chr12:8,843,204, T>C. VCF-style: chr12-8843204-T-C. GRCh37 (hg19) VCF-style: chr12-8995800-T-C.
Other names: short protein forms L440P.
Identifiers: ClinVar variation 3646337 (VCV003646337.2).

ClinVar aggregate classification (germline): Uncertain significance (1 of 4 stars; one submission).

Submission:

Labcorp Genetics (formerly Invitae), Labcorp
Classification: Uncertain significance. Last evaluated: 2024-03-22. Review status: criteria provided, single submitter. Criteria: Invitae Variant Classification Sherloc (09022015). Collection method: clinical testing. Allele origin: germline.
Comment: This sequence change replaces leucine, which is neutral and non-polar, with proline, which is neutral and non-polar, at codon 440 of the A2ML1 protein (p.Leu440Pro). This variant is not present in population databases (gnomAD no frequency). This variant has not been reported in the literature in individuals affected with A2ML1-related conditions. An algorithm developed to predict the effect of missense changes on protein structure and function (PolyPhen-2) suggests that this variant is likely to be disruptive. In summary, the available evidence is currently insufficient to determine the role of this variant in disease. Therefore, it has been classified as a Variant of Uncertain Significance.